The following is an entry in ClinVar:

NM_006218.4(PIK3CA):c.2554C>T (p.Arg852Ter)

Gene: PIK3CA (phosphatidylinositol-4,5-bisphosphate 3-kinase catalytic subunit alpha; plus strand). Cytogenetic location: 3q26.32.
Variant type: single nucleotide variant.
Coding change: c.2554C>T on transcript NM_006218.4 (MANE Select); coding-DNA position 2554, C replaced by T.
Protein change: p.Arg852Ter; replaces arginine 852 with a stop codon.
Molecular consequence: nonsense.
Genome position (GRCh38, 1-based): chr3:179,229,330, C>T. VCF-style: chr3-179229330-C-T. GRCh37 (hg19) VCF-style: chr3-178947118-C-T.
Other names: short protein forms R852*.
Identifiers: ClinVar variation 941163 (VCV000941163.8), dbSNP rs758795044, ClinGen allele CA2710983.
Genomic context (GRCh38, chr3:179,229,330, plus strand): 5'-AGAATGTTACCTTATGGTTGTCTGTCAATCGGTGACTGTGTGGGACTTATTGAGGTGGTG[C>T]GAAATTCTCACACTATTATGCAAATTCAGTGCAAAGGCGGCTTGAAAGGTGCACTGCAGT-3'

ClinVar aggregate classification (germline): Uncertain significance (1 of 4 stars; one submission).

Conditions:
Cowden syndrome (CS). Also called: Cowden's disease; Cowden's syndrome; Cowden disease. Identifiers: Orphanet 201, MedGen C0018553, MONDO:0016063. Disease mechanism: gain of function.

Allele frequency attached by ClinVar (database versions not stated): gnomAD exomes below 0.00001 and 0.00001; TOPMed below 0.00001; ExAC 0.00001.
gnomAD v4.1: 1 of 1,613,002 alleles (0.000062%); highest among the groups gnomAD compares: Admixed American, 0.0017%; no homozygotes.

Submission:

Labcorp Genetics (formerly Invitae), Labcorp
Classification: Uncertain significance for Cowden syndrome. Last evaluated: 2022-04-12. Review status: criteria provided, single submitter. Criteria: Invitae Variant Classification Sherloc (09022015). Collection method: clinical testing. Allele origin: germline.
Comment: In summary, the available evidence is currently insufficient to determine the role of this variant in disease. Therefore, it has been classified as a Variant of Uncertain Significance. ClinVar contains an entry for this variant (Variation ID: 941163). This variant has not been reported in the literature in individuals affected with PIK3CA-related conditions. This variant is present in population databases (rs758795044, gnomAD 0.004%). This sequence change creates a premature translational stop signal (p.Arg852*) in the PIK3CA gene. It is expected to result in an absent or disrupted protein product. However, the current clinical and genetic evidence is not sufficient to establish whether loss-of-function variants in PIK3CA cause disease.